The following is an entry in ClinVar:

NM_001354483.2(CSGALNACT1):c.356A>T (p.Asp119Val)

Gene: CSGALNACT1 (chondroitin sulfate N-acetylgalactosaminyltransferase 1; minus strand). Cytogenetic location: 8p21.3.
Variant type: single nucleotide variant.
Coding change: c.356A>T on transcript NM_001354483.2 (MANE Select); coding-DNA position 356, A replaced by T.
Protein change: p.Asp119Val; replaces aspartic acid 119 with valine.
Molecular consequence: missense variant. On other transcripts: non-coding transcript variant (7).
Genome position (GRCh38, 1-based): chr8:19,505,479, T>A on the plus strand (A>T on the coding strand, the complement: CSGALNACT1 is on the minus strand). VCF-style: chr8-19505479-T-A. GRCh37 (hg19) VCF-style: chr8-19362990-T-A.
Other names: c.356A>T, p.Asp119Val (NM_001130518.2, NM_001354475.2, NM_001354476.2 and 18 more transcripts); short protein forms D119V.
Identifiers: ClinVar variation 3053958 (VCV003053958.3), dbSNP rs150522745, ClinGen allele CA4654274.

ClinVar aggregate classification (germline): Uncertain significance. Review status: criteria provided, single submitter (1 of 4 stars). 2 submissions from 2 submitters: Uncertain significance (1). 1 of the submissions does not count toward it. Last evaluated 2025-08-29.

Conditions:
CSGALNACT1-related disorder. Also called: CSGALNACT1-related condition.
Inborn genetic diseases. Identifiers: MedGen C0950123, MeSH D030342.

Allele frequency attached by ClinVar (database versions not stated): gnomAD exomes 0.00003; ExAC 0.00007; ESP Exome Variant Server 0.00015; gnomAD 0.00021; TOPMed 0.00029; 1000 Genomes Project 30x 0.00047; 1000 Genomes Project 0.00060.
gnomAD v4.1: 77 of 1,614,066 alleles (0.0048%); highest among the groups gnomAD compares: African/African-American, 0.087%; no homozygotes.

Submissions (2):

Ambry Genetics
Classification: Uncertain significance for Inborn genetic diseases. Last evaluated: 2025-08-29. Review status: criteria provided, single submitter. Criteria: Ambry Variant Classification Scheme 2023. Collection method: clinical testing. Allele origin: germline.

PreventionGenetics, part of Exact Sciences
Classification: Uncertain significance for CSGALNACT1-related condition. Last evaluated: 2023-10-26. Review status: no assertion criteria provided. Collection method: clinical testing. Allele origin: germline. Not counted in ClinVar's aggregate classification.
Comment: The CSGALNACT1 c.356A>T variant is predicted to result in the amino acid substitution p.Asp119Val. To our knowledge, this variant has not been reported in the literature. This variant is reported in 0.073% of alleles in individuals of African descent in gnomAD. At this time, the clinical significance of this variant is uncertain due to the absence of conclusive functional and genetic evidence.